The following is an entry in ClinVar:

NM_000507.4(FBP1):c.14C>A (p.Ala5Glu)

Gene: FBP1 (fructose-bisphosphatase 1; minus strand). Cytogenetic location: 9q22.32.
Variant type: single nucleotide variant.
Coding change: c.14C>A on transcript NM_000507.4 (MANE Select); coding-DNA position 14, C replaced by A.
Protein change: p.Ala5Glu; replaces alanine 5 with glutamic acid.
Molecular consequence: missense variant.
Genome position (GRCh38, 1-based): chr9:94,639,297, G>T on the plus strand (C>A on the coding strand, the complement: FBP1 is on the minus strand). VCF-style: chr9-94639297-G-T. GRCh37 (hg19) VCF-style: chr9-97401579-G-T.
Other names: p.Ala5Glu; c.14C>A, p.Ala5Glu (NM_001127628.2); short protein forms A5E.
Identifiers: ClinVar variation 367559 (VCV000367559.11), dbSNP rs759615686, ClinGen allele CA5136362.
Genomic context (GRCh38, chr9:94,639,297, plus strand): 5'-GCCTTCCTGCCCTCCTCCATGACGAAGCGGGTCAGGGTGTTGACGTCCGTGTCGAAGGGC[G>T]CCTGGTCAGCCATGCTTGAACCGGGTAGAGCGCGGGGCTGCAGGTGCAAGCGGCAGGTGC-3'
Protein context (NP_000498.2, residues 1-15): MADQ[Ala5Glu]PFDTDVNTLT

ClinVar aggregate classification (germline): Uncertain significance. Review status: criteria provided, multiple submitters, no conflicts (2 of 4 stars). 5 submissions from 5 submitters: Uncertain significance (5). Last evaluated 2025-06-04.

Conditions:
Inborn genetic diseases. Identifiers: MedGen C0950123, MeSH D030342.
Fructose-biphosphatase deficiency (FBP1D). Also called: Fructose-1,6-Diphosphatase Deficiency; Fructose-1,6-Bisphosphatase 1 Deficiency; Fructose 1,6 Bisphosphatase Deficiency. Identifiers: Orphanet 348, MedGen C0016756, MONDO:0009251, OMIM 229700.

Allele frequency attached by ClinVar (database versions not stated): ExAC 0.00003; gnomAD 0.00003 and 0.00005; gnomAD exomes 0.00003 and 0.00005; TOPMed 0.00003.
gnomAD v4.1: 81 of 1,607,190 alleles (0.005%); highest among the groups gnomAD compares: Non-Finnish European, 0.0062%; no homozygotes.

Submissions (5):

Mayo Clinic Laboratories, Mayo Clinic
Classification: Uncertain significance. Last evaluated: 2025-06-04. Review status: criteria provided, single submitter. Criteria: ACMG Guidelines, 2015. Collection method: clinical testing. Allele origin: germline. Observed: 1 variant allele.
Comment: BP4_moderate, PM2_supporting

Ambry Genetics
Classification: Uncertain significance for Inborn genetic diseases. Last evaluated: 2025-03-15. Review status: criteria provided, single submitter. Criteria: Ambry Variant Classification Scheme 2023. Collection method: clinical testing. Allele origin: germline.

Blueprint Genetics
Classification: Uncertain significance. Last evaluated: 2024-09-14. Review status: criteria provided, single submitter. Criteria: ACMG Guidelines, 2015. Collection method: clinical testing. Allele origin: germline.

Labcorp Genetics (formerly Invitae), Labcorp
Classification: Uncertain significance for Fructose-biphosphatase deficiency. Last evaluated: 2022-09-07. Review status: criteria provided, single submitter. Criteria: Invitae Variant Classification Sherloc (09022015). Collection method: clinical testing. Allele origin: germline.
Comment: This sequence change replaces alanine, which is neutral and non-polar, with glutamic acid, which is acidic and polar, at codon 5 of the FBP1 protein (p.Ala5Glu). The frequency data for this variant in the population databases is considered unreliable, as metrics indicate poor data quality at this position in the gnomAD database. This variant has not been reported in the literature in individuals affected with FBP1-related conditions. ClinVar contains an entry for this variant (Variation ID: 367559). Advanced modeling of protein sequence and biophysical properties (such as structural, functional, and spatial information, amino acid conservation, physicochemical variation, residue mobility, and thermodynamic stability) performed at Invitae indicates that this missense variant is not expected to disrupt FBP1 protein function. In summary, the available evidence is currently insufficient to determine the role of this variant in disease. Therefore, it has been classified as a Variant of Uncertain Significance.

Illumina Laboratory Services, Illumina
Classification: Uncertain significance for Fructose-biphosphatase deficiency. Last evaluated: 2018-01-12. Review status: criteria provided, single submitter. Criteria: ICSL Variant Classification Criteria 13 December 2019. Collection method: clinical testing. Allele origin: germline.